The following is an entry in ClinVar:

ClinVar aggregate classification (germline): Uncertain significance (1 of 4 stars; one submission).

Submission:

Labcorp Genetics (formerly Invitae), Labcorp
Classification: Uncertain significance. Last evaluated: 2025-08-14. Review status: criteria provided, single submitter. Criteria: Invitae Variant Classification Sherloc (09022015). Collection method: clinical testing. Allele origin: germline.
Comment: This sequence change replaces glutamic acid, which is acidic and polar, with aspartic acid, which is acidic and polar, at codon 2362 of the SRCAP protein (p.Glu2362Asp). This variant is not present in population databases (gnomAD no frequency). This variant has not been reported in the literature in individuals affected with SRCAP-related conditions. Invitae Evidence Modeling of protein sequence and biophysical properties (such as structural, functional, and spatial information, amino acid conservation, physicochemical variation, residue mobility, and thermodynamic stability) indicates that this missense variant is not expected to disrupt SRCAP protein function with a negative predictive value of 80%. In summary, the available evidence is currently insufficient to determine the role of this variant in disease. Therefore, it has been classified as a Variant of Uncertain Significance.

NM_006662.3(SRCAP):c.7086G>C (p.Glu2362Asp)

Gene: SRCAP (Snf2 related CREBBP activator protein; plus strand). Cytogenetic location: 16p11.2.
Variant type: single nucleotide variant.
Coding change: c.7086G>C on transcript NM_006662.3 (MANE Select); coding-DNA position 7086, G replaced by C.
Protein change: p.Glu2362Asp; replaces glutamic acid 2362 with aspartic acid.
Molecular consequence: missense variant.
Genome position (GRCh38, 1-based): chr16:30,737,126, G>C. VCF-style: chr16-30737126-G-C. GRCh37 (hg19) VCF-style: chr16-30748447-G-C.
Other names: short protein forms E2362D.
Identifiers: ClinVar variation 4777897 (VCV004777897.1).